The following is an entry in ClinVar:

ClinVar aggregate classification (germline): Uncertain significance (1 of 4 stars; one submission).

Conditions:
Inborn genetic diseases. Identifiers: MedGen C0950123, MeSH D030342.

Submission:

Ambry Genetics
Classification: Uncertain significance for Inborn genetic diseases. Last evaluated: 2024-09-30. Review status: criteria provided, single submitter. Criteria: Ambry Variant Classification Scheme 2023. Collection method: clinical testing. Allele origin: germline.
Comment: The p.G655E variant (also known as c.1964G>A), located in coding exon 12 of the EPAS1 gene, results from a G to A substitution at nucleotide position 1964. The glycine at codon 655 is replaced by glutamic acid, an amino acid with similar properties. This amino acid position is conserved. In addition, this alteration is predicted to be tolerated by in silico analysis. Based on the available evidence, the clinical significance of this variant remains unclear.

NM_001430.5(EPAS1):c.1964G>A (p.Gly655Glu)

Gene: EPAS1 (endothelial PAS domain protein 1; plus strand). Cytogenetic location: 2p21.
Variant type: single nucleotide variant.
Coding change: c.1964G>A on transcript NM_001430.5 (MANE Select); coding-DNA position 1964, G replaced by A.
Protein change: p.Gly655Glu; replaces glycine 655 with glutamic acid.
Molecular consequence: missense variant.
Genome position (GRCh38, 1-based): chr2:46,380,636, G>A. VCF-style: chr2-46380636-G-A. GRCh37 (hg19) VCF-style: chr2-46607775-G-A.
Other names: short protein forms G655E.
Identifiers: ClinVar variation 3508994 (VCV003508994.1).